The following is an entry in ClinVar:

NC_012920.1(MT-RNR1):m.1536A>G

Gene: MT-RNR1 (mitochondrially encoded 12S RNA; plus strand).
Variant type: single nucleotide variant.
Genome position: chrM-1536-A-G.
Identifiers: ClinVar variation 227550 (VCV000227550.4), dbSNP rs876657506, ClinGen allele CA10577184.

ClinVar aggregate classification (germline): Likely benign (1 of 4 stars; one submission).

Submission:

Laboratory for Molecular Medicine, Mass General Brigham Personalized Medicine
Classification: Likely benign. Last evaluated: 2015-02-02. Review status: criteria provided, single submitter. Criteria: LMM Criteria. Collection method: clinical testing. Allele origin: germline. Observed: 2 variant alleles.
Comment: m.1536A>G in MTRNR1: This variant is not expected to have clinical significance because it has been identified in several human phylogeny studies at an overall frequency of 0.06% (15/26851 human mitochondrial DNA sequences) with haplogroup -specific frequencies ranging from 0.2% to 16% (mdb/).

Literature cited by the submitters: PubMed 9384601.